The following is an entry in ClinVar:

NM_000179.3(MSH6):c.578del (p.Leu193fs)

Gene: MSH6 (mutS homolog 6; plus strand). Cytogenetic location: 2p16.3.
Variant type: Deletion.
Coding change: c.578del on transcript NM_000179.3 (MANE Select); coding-DNA position 578, one base deleted (T; older notation c.578delT).
Protein change: p.Leu193fs; shifts the reading frame from leucine 193.
Molecular consequence: frameshift variant. On other transcripts: 5 prime UTR variant (1), intron variant (2).
Genome position (GRCh38, 1-based): chr2:47,796,014, T deleted; the last of 2 consecutive T bases (chr2:47,796,013-47,796,014); deleting either gives the same sequence. VCF-style (leftmost placement, unchanged base first): chr2-47796012-AT-A. GRCh37 (hg19) VCF-style: chr2-48023151-AT-A.
Other names: c.578delT (NM_000179.2); c.-325del (NM_001281494.2); c.-279-2597del (NM_001281493.2); c.238-2597del (NM_001281492.2); short protein forms L193fs.
Identifiers: ClinVar variation 183724 (VCV000183724.28), dbSNP rs587782281, ClinGen allele CA015884.

ClinVar aggregate classification (germline): Pathogenic/Likely pathogenic. Review status: criteria provided, multiple submitters, no conflicts (2 of 4 stars). 10 submissions from 10 submitters: Pathogenic (9); Likely pathogenic (1). Last evaluated 2026-10-24.

Conditions:
Hereditary nonpolyposis colon cancer (HNPCC). Also called: Hereditary nonpolyposis colorectal cancer; Familial nonpolyposis colon cancer; Hereditary Nonpolyposis Colorectal Cancer Syndrome. Identifiers: Orphanet 443909, MedGen C1333990, MONDO:0018630. Disease mechanism: loss of function.
Hereditary nonpolyposis colorectal neoplasms. Identifiers: MedGen C0009405, MeSH D003123.
Hereditary cancer-predisposing syndrome. Also called: Neoplastic Syndromes, Hereditary; Hereditary neoplastic syndrome; Tumor predisposition; Hereditary Cancer Syndrome. Identifiers: Orphanet 140162, MedGen C0027672, MeSH D009386, MONDO:0015356.
Lynch syndrome 5 (LYNCH5). Also called: Colorectal cancer, hereditary nonpolyposis, type 5; Hereditary non-polyposis colorectal cancer, type 5. Identifiers: Orphanet 144, MedGen C1833477, MONDO:0013710, OMIM 614350. Disease mechanism: loss of function.
Endometrial carcinoma. Also called: Endometrial carcinoma, somatic. Identifiers: MedGen C0476089, MONDO:0002447, OMIM 608089, HP:0012114.

Submissions (10):

GeneDx
Classification: Pathogenic. Last evaluated: 2026-10-24. Review status: criteria provided, single submitter. Criteria: GeneDx Variant Classification Process June 2021. Collection method: clinical testing. Allele origin: germline.
Comment: Frameshift variant predicted to result in protein truncation or nonsense mediated decay in a gene for which loss of function is a known mechanism of disease; Not observed at significant frequency in large population cohorts (gnomAD); Truncating variants in this gene are considered pathogenic by a well-established clinical consortium and/or database; Observed in individuals undergoing hereditary cancer multigene panel testing (PMID: 24763289, 28514183, 29345684); Identified in a patient with endometrial cancer (PMID: 36744932); This variant is associated with the following publications: (PMID: 24763289, 28514183, 29345684, 36744932)

Ambry Genetics
Classification: Pathogenic for Hereditary cancer-predisposing syndrome. Last evaluated: 2025-08-19. Review status: criteria provided, single submitter. Criteria: Ambry Variant Classification Scheme 2023. Collection method: clinical testing. Allele origin: germline.
Comment: The c.578delT pathogenic mutation, located in coding exon 3 of the MSH6 gene, results from a deletion of one nucleotide at nucleotide position 578, causing a translational frameshift with a predicted alternate stop codon (p.L193Wfs*18). This variant is considered to be rare based on population cohorts in the Genome Aggregation Database (gnomAD). This alteration is expected to result in loss of function by premature protein truncation or nonsense-mediated mRNA decay. As such, this alteration is interpreted as a disease-causing mutation.

Color Diagnostics, LLC DBA Color Health
Classification: Pathogenic for Hereditary cancer-predisposing syndrome. Last evaluated: 2025-06-23. Review status: criteria provided, single submitter. Criteria: ACMG Guidelines, 2015. Collection method: clinical testing. Allele origin: germline.
Comment: This variant deletes 1 nucleotide in exon 3 of the MSH6 gene, creating a frameshift and premature translation stop signal. This variant is expected to result in an absent or non-functional protein product. To our knowledge, this variant has not been reported in individuals affected with MSH6-related disorders in the literature, but has been observed in individual undergoing genetic testing (PMID: 24763289, 28514183, 29345684). This variant has not been identified in the general population by the Genome Aggregation Database (gnomAD). Loss of MSH6 function is a known mechanism of disease. Based on the available evidence, this variant is classified as Pathogenic.

Illumina Laboratory Services, Illumina
Classification: Pathogenic for Lynch syndrome 5. Last evaluated: 2024-08-09. Review status: criteria provided, single submitter. Criteria: ICSLVariantClassificationCriteria RUGD 01 April 2020. Collection method: clinical testing. Allele origin: unknown.
Comment: The MHS6 c.578del p.(Leu193TrpfsTer18) variant causes a shift in the protein reading frame that is predicted to result in premature termination of the protein. Loss of normal protein function through either protein truncation or nonsense-mediated mRNA decay is expected. This variant has been identified in at least two individuals who underwent multigene cancer panel testing and had a clinical history of cancer (PMID: 28514183; 24763289). This variant is not observed at a significant frequency in version 2.1.1 or version 4.1.0 of the Genome Aggregation Database. This variant has been classified as pathogenic by at least three submitters in ClinVar. Based on the available evidence, the c.578del p.(Leu193TrpfsTer18) variant is classified as pathogenic for Lynch syndrome.

Labcorp Genetics (formerly Invitae), Labcorp
Classification: Pathogenic for Hereditary nonpolyposis colorectal neoplasms. Last evaluated: 2024-06-19. Review status: criteria provided, single submitter. Criteria: Invitae Variant Classification Sherloc (09022015). Collection method: clinical testing. Allele origin: germline.
Comment: This sequence change creates a premature translational stop signal (p.Leu193Trpfs*18) in the MSH6 gene. It is expected to result in an absent or disrupted protein product. Loss-of-function variants in MSH6 are known to be pathogenic (PMID: 18269114, 24362816). This variant is not present in population databases (gnomAD no frequency). This premature translational stop signal has been observed in individual(s) with hereditary cancer (PMID: 24763289, 28514183). Invitae’s Lynch syndrome clinical variant model, which takes into account the clinical and family history, age, sex, and reported ancestry of multiple individuals with this MSH6 variant, predicts that it is pathogenic with a positive predictive value of at least 99%. This is a validated machine learning model developed at Invitae that incorporates the clinical features of 1,370,736 individuals referred for testing at Invitae. ClinVar contains an entry for this variant (Variation ID: 183724). For these reasons, this variant has been classified as Pathogenic.

Baylor Genetics
Classification: Pathogenic for Endometrial carcinoma. Last evaluated: 2023-12-14. Review status: criteria provided, single submitter. Criteria: ACMG Guidelines, 2015. Collection method: clinical testing. Allele origin: unknown.

Myriad Genetics, Inc.
Classification: Pathogenic for Lynch syndrome 5. Last evaluated: 2023-08-10. Review status: criteria provided, single submitter. Criteria: Myriad Autosomal Dominant, Autosomal Recessive and X-Linked Classification Criteria (2023). Collection method: clinical testing. Allele origin: unknown.
Comment: This variant is considered pathogenic. This variant creates a frameshift predicted to result in premature protein truncation.

MGZ Medical Genetics Center
Classification: Likely pathogenic for Lynch syndrome 5. Last evaluated: 2022-07-29. Review status: criteria provided, single submitter. Criteria: ACMG Guidelines, 2015. Collection method: clinical testing. Allele origin: germline. Affected: yes. Observed: 5 variant alleles.
Comment: ACMG criteria applied: PVS1, PM2_SUP

Women's Health and Genetics/Laboratory Corporation of America, LabCorp
Classification: Pathogenic for Hereditary nonpolyposis colon cancer. Last evaluated: 2021-03-30. Review status: criteria provided, single submitter. Criteria: LabCorp Variant Classification Summary - May 2015. Collection method: clinical testing. Allele origin: germline.
Comment: Variant summary: MSH6 c.578delT (p.Leu193TrpfsX18) results in a premature termination codon, predicted to cause a truncation of the encoded protein or absence of the protein due to nonsense mediated decay, which are commonly known mechanisms for disease. The variant was absent in 251422 control chromosomes (gnomAD). c.578delT has been reported in the literature in individuals being tested with a multi-gene cancer panel (Espenschied_2017, LaDuca_2014, Roberts_2018). These data indicate that the variant is likely to be associated with disease. To our knowledge, no experimental evidence demonstrating an impact on protein function has been reported. Four other ClinVar submitters (evaluation after 2014) cite the variant as pathogenic. Based on the evidence outlined above, the variant was classified as pathogenic.

Quest Diagnostics Nichols Institute San Juan Capistrano
Classification: Pathogenic. Last evaluated: 2018-10-05. Review status: criteria provided, single submitter. Criteria: Quest Diagnostics criteria. Collection method: clinical testing. Allele origin: germline.
Comment: The variant results in a shift of the reading frame, and is therefore predicted to significantly disrupt the protein structure. Found in at least one symptomatic patient, and not found in general population data.

Literature cited by the submitters: PubMed 24763289 (cited by 6 submitters); PubMed 28514183 (cited by 4 submitters); PubMed 29345684 (cited by Color Diagnostics, LLC DBA Color Health and Women's Health and Genetics/Laboratory Corporation of America, LabCorp); PubMed 18269114 (cited by Labcorp Genetics (formerly Invitae), Labcorp); PubMed 24362816 (cited by Labcorp Genetics (formerly Invitae), Labcorp).